The following is an entry in ClinVar:

ClinVar aggregate classification (germline): Pathogenic (1 of 4 stars; one submission).

Conditions:
Hereditary cancer-predisposing syndrome. Also called: Neoplastic Syndromes, Hereditary; Tumor predisposition; Hereditary neoplastic syndrome; Hereditary Cancer Syndrome. Identifiers: Orphanet 140162, MedGen C0027672, MeSH D009386, MONDO:0015356.
Cardiovascular phenotype. Identifiers: MedGen CN230736.

Submission:

Ambry Genetics
Classification: Pathogenic for Cardiovascular phenotype; Hereditary cancer-predisposing syndrome. Last evaluated: 2023-10-30. Review status: criteria provided, single submitter. Criteria: Ambry Variant Classification Scheme 2023. Collection method: clinical testing. Allele origin: germline.
Comment: The c.6909delG pathogenic mutation, located in coding exon 46 of the NF1 gene, results from a deletion of one nucleotide at nucleotide position 6909, causing a translational frameshift with a predicted alternate stop codon (p.Q2303Hfs*22). This variant is considered to be rare based on population cohorts in the Genome Aggregation Database (gnomAD). This alteration is expected to result in loss of function by premature protein truncation or nonsense-mediated mRNA decay. As such, this alteration is interpreted as a disease-causing mutation.

NM_001042492.3(NF1):c.6972del (p.Gln2324fs)

Gene: NF1 (neurofibromin 1; plus strand). Cytogenetic location: 17q11.2.
Variant type: Deletion.
Coding change: c.6972del on transcript NM_001042492.3 (MANE Select); coding-DNA position 6972, one base deleted (G; older notation c.6972delG).
Protein change: p.Gln2324fs; shifts the reading frame from glutamine 2324.
Molecular consequence: frameshift variant.
Genome position (GRCh38, 1-based): chr17:31,340,555, G deleted. VCF-style (leftmost placement, unchanged base first): chr17-31340554-AG-A. GRCh37 (hg19) VCF-style: chr17-29667572-AG-A.
Other names: c.6909delG (NM_000267.3); c.6909delG, p.Gln2303Hisfs (NM_000267.4); short protein forms Q2303fs, Q2324fs.
Identifiers: ClinVar variation 3237907 (VCV003237907.1), dbSNP rs2508770195.
Genomic context (GRCh38, chr17:31,340,554, plus strand): 5'-TTCTTTGCCAGGACTCGCCTCTGCACAAAGCCCTCTTTTGGGTAGCTGTGGCTGTGCTGC[AG>A]CTTGATGAGGTCAACTTGTATTCAGCAGGTACCGCACTTCTTGAACAAAACCTGCATACT-3'